The following is an entry in ClinVar:

NM_002454.3(MTRR):c.1504C>T (p.Gln502Ter)

Gene: MTRR (5-methyltetrahydrofolate-homocysteine methyltransferase reductase; plus strand). Cytogenetic location: 5p15.31.
Variant type: single nucleotide variant.
Coding change: c.1504C>T on transcript NM_002454.3 (MANE Select); coding-DNA position 1504, C replaced by T.
Protein change: p.Gln502Ter; replaces glutamine 502 with a stop codon.
Molecular consequence: nonsense. On other transcripts: non-coding transcript variant (14).
Genome position (GRCh38, 1-based): chr5:7,892,860, C>T. VCF-style: chr5-7892860-C-T. GRCh37 (hg19) VCF-style: chr5-7892973-C-T.
Other names: c.1504C>T, p.Gln502Ter (NM_001364440.2, NM_001364441.2, NM_001364442.2 and 1 more transcripts); short protein forms Q502*.
Identifiers: ClinVar variation 1418809 (VCV001418809.6), dbSNP rs1737852706, ClinGen allele CA359159054.

ClinVar aggregate classification (germline): Pathogenic (1 of 4 stars; one submission).

Conditions:
Methylcobalamin deficiency type cblE (HMAE). Also called: HOMOCYSTINURIA-MEGALOBLASTIC ANEMIA, cblE COMPLEMENTATION TYPE; HOMOCYSTINURIA-MEGALOBLASTIC ANEMIA, cblE TYPE; VITAMIN B12-RESPONSIVE HOMOCYSTINURIA, cblE TYPE. Identifiers: Orphanet 2169, Orphanet 622, MedGen C1856057, MONDO:0009354, OMIM 236270.

Submission:

Labcorp Genetics (formerly Invitae), Labcorp
Classification: Pathogenic for Methylcobalamin deficiency type cblE. Last evaluated: 2021-12-02. Review status: criteria provided, single submitter. Criteria: Invitae Variant Classification Sherloc (09022015). Collection method: clinical testing. Allele origin: germline.
Comment: This variant has not been reported in the literature in individuals affected with MTRR-related conditions. For these reasons, this variant has been classified as Pathogenic. This sequence change creates a premature translational stop signal (p.Gln502*) in the MTRR gene. It is expected to result in an absent or disrupted protein product. Loss-of-function variants in MTRR are known to be pathogenic (PMID: 15714522). This variant is not present in population databases (gnomAD no frequency).

Literature cited by the submitters: PubMed 15714522.